The following is an entry in ClinVar:

ClinVar aggregate classification (germline): Likely benign (1 of 4 stars; one submission).

Allele frequency attached by ClinVar (database versions not stated): 1000 Genomes Project 30x 0.00297; 1000 Genomes Project 0.00319; TOPMed 0.00373; gnomAD 0.00705.
gnomAD v4.1: 1,065 of 152,320 alleles (0.7%); highest among the groups gnomAD compares: Non-Finnish European, 0.69%; 14 homozygotes.

Submission:

CeGaT Center for Human Genetics Tuebingen
Classification: Likely benign. Last evaluated: 2026-07-01. Review status: criteria provided, single submitter. Criteria: CeGaT Center For Human Genetics Tuebingen Variant Classification Criteria Version 2. Collection method: clinical testing. Allele origin: germline. Affected: yes. Observed: 4 variant alleles.
Comment: CYBA: BS2

NM_000101.4(CYBA):c.370-720C>G

Gene: CYBA (cytochrome b-245 alpha chain; minus strand). Cytogenetic location: 16q24.2.
Variant type: single nucleotide variant.
Coding change: c.370-720C>G on transcript NM_000101.4 (MANE Select); 720 bases into the intron before coding-DNA position 370, C replaced by G.
Molecular consequence: intron variant.
Genome position (GRCh38, 1-based): chr16:88,644,291, G>C on the plus strand (C>G on the coding strand, the complement: CYBA is on the minus strand). VCF-style: chr16-88644291-G-C. GRCh37 (hg19) VCF-style: chr16-88710699-G-C.
Identifiers: ClinVar variation 2646982 (VCV002646982.24), dbSNP rs148831999, ClinGen allele CA286349147.